The following is an entry in ClinVar:

ClinVar aggregate classification (germline): Uncertain significance (1 of 4 stars; one submission).

gnomAD v4.1: 4 of 1,614,174 alleles (0.00025%); highest among the groups gnomAD compares: Non-Finnish European, 0.00034%; no homozygotes.

Submission:

Labcorp Genetics (formerly Invitae), Labcorp
Classification: Uncertain significance. Last evaluated: 2022-10-13. Review status: criteria provided, single submitter. Criteria: Invitae Variant Classification Sherloc (09022015). Collection method: clinical testing. Allele origin: germline.
Comment: In summary, the available evidence is currently insufficient to determine the role of this variant in disease. Therefore, it has been classified as a Variant of Uncertain Significance. Algorithms developed to predict the effect of missense changes on protein structure and function (SIFT, PolyPhen-2, Align-GVGD) all suggest that this variant is likely to be disruptive. This variant has not been reported in the literature in individuals affected with MERTK-related conditions. This variant is not present in population databases (gnomAD no frequency). This sequence change replaces lysine, which is basic and polar, with glutamine, which is neutral and polar, at codon 856 of the MERTK protein (p.Lys856Gln).

NM_006343.3(MERTK):c.2566A>C (p.Lys856Gln)

Gene: MERTK (MER proto-oncogene, tyrosine kinase; plus strand). Cytogenetic location: 2q13.
Variant type: single nucleotide variant.
Coding change: c.2566A>C on transcript NM_006343.3 (MANE Select); coding-DNA position 2566, A replaced by C.
Protein change: p.Lys856Gln; replaces lysine 856 with glutamine.
Molecular consequence: missense variant.
Genome position (GRCh38, 1-based): chr2:112,028,430, A>C. VCF-style: chr2-112028430-A-C. GRCh37 (hg19) VCF-style: chr2-112786007-A-C.
Other names: short protein forms K856Q.
Identifiers: ClinVar variation 1938559 (VCV001938559.5), dbSNP rs1558813509, ClinGen allele CA348242543.
Genomic context (GRCh38, chr2:112,028,430, plus strand): 5'-TGCTGGAGAACCGATCCCTTAGACCGCCCCACCTTTTCAGTATTGAGGCTGCAGCTAGAA[A>C]AACTCTTAGAAAGTTTGCCTGACGTTCGGAACCAAGCAGACGTTATTTACGTCAATACAC-3'
Protein context (NP_006334.2, residues 846-866): TFSVLRLQLE[Lys856Gln]LLESLPDVRN